The following is an entry in ClinVar:

NM_000218.3(KCNQ1):c.1394-27827dup

Genes: KCNQ1 (potassium voltage-gated channel subfamily Q member 1; plus strand), KCNQ1OT1 (KCNQ1 opposite strand/antisense transcript 1; minus strand). Cytogenetic location: 11p15.5.
Variant type: Duplication.
Coding change: c.1394-27827dup on transcript NM_000218.3 (MANE Select); 27827 bases into the intron before coding-DNA position 1394, one base duplicated (T; older notation c.1394-27827dupT).
Molecular consequence: intron variant. On other transcripts: non-coding transcript variant (1).
Genome position (GRCh38, 1-based): chr11:2,634,134, T duplicated. VCF-style (leftmost placement, unchanged base first): chr11-2634133-G-GT. GRCh37 (hg19) VCF-style: chr11-2655363-G-GT.
Other names: c.1124-27827dup (NM_001406837.1); c.1298-27827dup (NM_001406836.1); c.854-27827dup (NM_001406838.1); c.1013-27827dup (NM_181798.2).
Identifiers: ClinVar variation 3234536 (VCV003234536.20), dbSNP rs1291405705, ClinGen allele CA472076020.

ClinVar aggregate classification (germline): Benign (1 of 4 stars; one submission).

Allele frequency attached by ClinVar (database versions not stated): 1000 Genomes Project 30x 0.00094; gnomAD 0.00560.

Submission:

CeGaT Center for Human Genetics Tuebingen
Classification: Benign. Last evaluated: 2025-07-01. Review status: criteria provided, single submitter. Criteria: CeGaT Center For Human Genetics Tuebingen Variant Classification Criteria Version 2. Collection method: clinical testing. Allele origin: germline. Affected: yes. Observed: 4 variant alleles.
Comment: KCNQ1OT1: BS1, BS2